The following is an entry in ClinVar:

ClinVar aggregate classification (germline): Uncertain significance. Review status: criteria provided, multiple submitters, no conflicts (2 of 4 stars). 2 submissions from 2 submitters: Uncertain significance (2). Last evaluated 2024-10-09.

gnomAD v4.1: 16 of 1,613,746 alleles (0.00099%); highest among the groups gnomAD compares: South Asian, 0.0033%; no homozygotes.

Submissions (2):

Ambry Genetics
Classification: Uncertain significance. Last evaluated: 2024-10-09. Review status: criteria provided, single submitter. Criteria: Ambry Variant Classification Scheme 2023. Collection method: clinical testing. Allele origin: germline.

Labcorp Genetics (formerly Invitae), Labcorp
Classification: Uncertain significance. Last evaluated: 2022-04-07. Review status: criteria provided, single submitter. Criteria: Invitae Variant Classification Sherloc (09022015). Collection method: clinical testing. Allele origin: germline.
Comment: In summary, the available evidence is currently insufficient to determine the role of this variant in disease. Therefore, it has been classified as a Variant of Uncertain Significance. Algorithms developed to predict the effect of sequence changes on RNA splicing suggest that this variant may create or strengthen a splice site. Algorithms developed to predict the effect of missense changes on protein structure and function are either unavailable or do not agree on the potential impact of this missense change (SIFT: "Deleterious"; PolyPhen-2: "Probably Damaging"; Align-GVGD: "Class C0"). This variant has not been reported in the literature in individuals affected with DHX32-related conditions. This variant is present in population databases (no rsID available, gnomAD 0.007%). This sequence change replaces glycine, which is neutral and non-polar, with serine, which is neutral and polar, at codon 623 of the DHX32 protein (p.Gly623Ser).

NM_018180.3(DHX32):c.1867G>A (p.Gly623Ser)

Genes: BCCIP (BRCA2 and CDKN1A interacting protein; plus strand), DHX32 (DEAH-box helicase 32 (putative); minus strand). Cytogenetic location: 10q26.2.
Variant type: single nucleotide variant.
Coding change: c.1867G>A on transcript NM_018180.3 (MANE Select); coding-DNA position 1867, G replaced by A.
Protein change: p.Gly623Ser; replaces glycine 623 with serine.
Molecular consequence: missense variant. On other transcripts: intron variant (2).
Genome position (GRCh38, 1-based): chr10:125,839,015, C>T on the plus strand (G>A on the coding strand, the complement: DHX32 is on the minus strand). VCF-style: chr10-125839015-C-T. GRCh37 (hg19) VCF-style: chr10-127527584-C-T.
Other names: c.775-2240C>T (NM_016567.4, NM_078469.3); short protein forms G623S.
Identifiers: ClinVar variation 1915105 (VCV001915105.5), dbSNP rs1189315557, ClinGen allele CA378672948.